The following is an entry in ClinVar:

NM_001142864.4(PIEZO1):c.6041C>T (p.Thr2014Ile)

Gene: PIEZO1 (piezo type mechanosensitive ion channel component 1 (Er blood group); minus strand). Cytogenetic location: 16q24.3.
Variant type: single nucleotide variant.
Coding change: c.6041C>T on transcript NM_001142864.4 (MANE Select); coding-DNA position 6041, C replaced by T.
Protein change: p.Thr2014Ile; replaces threonine 2014 with isoleucine.
Molecular consequence: missense variant.
Genome position (GRCh38, 1-based): chr16:88,720,192, G>A on the plus strand (C>T on the coding strand, the complement: PIEZO1 is on the minus strand). VCF-style: chr16-88720192-G-A. GRCh37 (hg19) VCF-style: chr16-88786600-G-A.
Other names: c.4583C>T, p.Thr1528Ile (NM_014745.1); short protein forms T2014I, T1528I.
Identifiers: ClinVar variation 2982345 (VCV002982345.3), dbSNP rs2507843001, ClinGen allele CA397085980.

ClinVar aggregate classification (germline): Uncertain significance (1 of 4 stars; one submission).

Submission:

Labcorp Genetics (formerly Invitae), Labcorp
Classification: Uncertain significance. Last evaluated: 2023-05-29. Review status: criteria provided, single submitter. Criteria: Invitae Variant Classification Sherloc (09022015). Collection method: clinical testing. Allele origin: germline.
Comment: In summary, the available evidence is currently insufficient to determine the role of this variant in disease. Therefore, it has been classified as a Variant of Uncertain Significance. This sequence change replaces threonine, which is neutral and polar, with isoleucine, which is neutral and non-polar, at codon 2014 of the PIEZO1 protein (p.Thr2014Ile). This variant is not present in population databases (gnomAD no frequency). This missense change has been observed in individual(s) with clinical features consistent with dehydrated hereditary stomatocytosis (PMID: 32109669). It has also been observed to segregate with disease in related individuals. Advanced modeling of protein sequence and biophysical properties (such as structural, functional, and spatial information, amino acid conservation, physicochemical variation, residue mobility, and thermodynamic stability) performed at Invitae indicates that this missense variant is expected to disrupt PIEZO1 protein function.

Literature cited by the submitters: PubMed 32109669.